The following is an entry in ClinVar:

ClinVar aggregate classification (germline): Uncertain significance (1 of 4 stars; one submission).

Conditions:
Breast-ovarian cancer, familial, susceptibility to, 4. Identifiers: Orphanet 145, MedGen C3280345, MONDO:0013669, OMIM 614291.

Submission:

Labcorp Genetics (formerly Invitae), Labcorp
Classification: Uncertain significance for Breast-ovarian cancer, familial, susceptibility to, 4. Last evaluated: 2023-01-06. Review status: criteria provided, single submitter. Criteria: Invitae Variant Classification Sherloc (09022015). Collection method: clinical testing. Allele origin: germline.
Comment: This sequence change replaces serine, which is neutral and polar, with arginine, which is basic and polar, at codon 257 of the RAD51D protein (p.Ser257Arg). This variant is not present in population databases (gnomAD no frequency). This variant has not been reported in the literature in individuals affected with RAD51D-related conditions. Advanced modeling of protein sequence and biophysical properties (such as structural, functional, and spatial information, amino acid conservation, physicochemical variation, residue mobility, and thermodynamic stability) performed at Invitae indicates that this missense variant is not expected to disrupt RAD51D protein function. In summary, the available evidence is currently insufficient to determine the role of this variant in disease. Therefore, it has been classified as a Variant of Uncertain Significance.

NM_002878.4(RAD51D):c.771C>A (p.Ser257Arg)

Genes: RAD51D (RAD51 paralog D; minus strand), RAD51L3-RFFL (RAD51L3-RFFL readthrough; minus strand). Cytogenetic location: 17q12.
Variant type: single nucleotide variant.
Coding change: c.771C>A on transcript NM_002878.4 (MANE Select); coding-DNA position 771, C replaced by A.
Protein change: p.Ser257Arg; replaces serine 257 with arginine.
Molecular consequence: missense variant. On other transcripts: non-coding transcript variant (3).
Genome position (GRCh38, 1-based): chr17:35,101,333, G>T on the plus strand (C>A on the coding strand, the complement: RAD51D is on the minus strand). VCF-style: chr17-35101333-G-T. GRCh37 (hg19) VCF-style: chr17-33428352-G-T.
Other names: c.831C>A, p.Ser277Arg (NM_001142571.2); c.435C>A, p.Ser145Arg (NM_133629.3); short protein forms S257R, S145R, S277R.
Identifiers: ClinVar variation 2918411 (VCV002918411.3), dbSNP rs146212490, ClinGen allele CA399086921.